The following is an entry in ClinVar:

ClinVar aggregate classification (germline): Uncertain significance (1 of 4 stars; one submission).

Allele frequency attached by ClinVar (database versions not stated): gnomAD exomes below 0.00001.

Submission:

Labcorp Genetics (formerly Invitae), Labcorp
Classification: Uncertain significance. Last evaluated: 2025-10-02. Review status: criteria provided, single submitter. Criteria: Invitae Variant Classification Sherloc (09022015). Collection method: clinical testing. Allele origin: germline.
Comment: This sequence change creates a premature translational stop signal (p.Leu632Profs*12) in the INTU gene. It is expected to result in an absent or disrupted protein product. However, the current clinical and genetic evidence is not sufficient to establish whether loss-of-function variants in INTU cause disease. This variant is not present in population databases (gnomAD no frequency). This variant has not been reported in the literature in individuals affected with INTU-related conditions. ClinVar contains an entry for this variant (Variation ID: 1965808). In summary, the available evidence is currently insufficient to determine the role of this variant in disease. Therefore, it has been classified as a Variant of Uncertain Significance.

NM_015693.4(INTU):c.1895_1896del (p.Leu632fs)

Gene: INTU (inturned planar cell polarity protein; plus strand). Cytogenetic location: 4q28.1.
Variant type: Deletion.
Coding change: c.1895_1896del on transcript NM_015693.4 (MANE Select); coding-DNA positions 1895 to 1896, 2 bases deleted (TT; older notation c.1895_1896delTT).
Protein change: p.Leu632fs; shifts the reading frame from leucine 632.
Molecular consequence: frameshift variant.
Genome position (GRCh38, 1-based): chr4:127,706,593-127,706,594, TT deleted. VCF-style (leftmost placement, unchanged base first): chr4-127706592-CTT-C. GRCh37 (hg19) VCF-style: chr4-128627747-CTT-C.
Other names: short protein forms L632fs.
Identifiers: ClinVar variation 1965808 (VCV001965808.5), dbSNP rs2531029318, ClinGen allele CA2580071491.